The following is an entry in ClinVar:

NM_198859.4(PRICKLE2):c.384_385delinsCT (p.Ile129Phe)

Gene: PRICKLE2 (prickle planar cell polarity protein 2; minus strand). Cytogenetic location: 3p14.1.
Variant type: Indel.
Coding change: c.384_385delinsCT on transcript NM_198859.4 (MANE Select); coding-DNA positions 384 to 385, TA replaced by CT.
Protein change: p.Ile129Phe; replaces isoleucine 129 with phenylalanine.
Molecular consequence: missense variant.
Genome position (GRCh38, 1-based): chr3:64,159,951-64,159,952, TA replaced by AG on the plus strand (TA replaced by CT on the coding strand, the reverse complement: PRICKLE2 is on the minus strand). VCF-style: chr3-64159951-TA-AG. GRCh37 (hg19) VCF-style: chr3-64145627-TA-AG.
Other names: c.384_385delinsCT, p.Ile129Phe (NM_001370528.1); short protein forms I129F.
Identifiers: ClinVar variation 1350185 (VCV001350185.8), dbSNP rs2107039475, ClinGen allele CA2573137444.

ClinVar aggregate classification (germline): Uncertain significance (1 of 4 stars; one submission).

Conditions:
Progressive myoclonic epilepsy type 5. Identifiers: Orphanet 402082, MedGen C5190799.

Submission:

Labcorp Genetics (formerly Invitae), Labcorp
Classification: Uncertain significance for Progressive myoclonic epilepsy type 5. Last evaluated: 2022-07-12. Review status: criteria provided, single submitter. Criteria: Invitae Variant Classification Sherloc (09022015). Collection method: clinical testing. Allele origin: germline.
Comment: This sequence change replaces isoleucine, which is neutral and non-polar, with phenylalanine, which is neutral and non-polar, at codon 129 of the PRICKLE2 protein (p.Ile129Phe). Information on the frequency of this variant in the gnomAD database is not available, as this variant may be reported differently in the database. This variant has not been reported in the literature in individuals affected with PRICKLE2-related conditions. ClinVar contains an entry for this variant (Variation ID: 1350185). Experimental studies and prediction algorithms are not available or were not evaluated, and the functional significance of this variant is currently unknown. In summary, the available evidence is currently insufficient to determine the role of this variant in disease. Therefore, it has been classified as a Variant of Uncertain Significance.